The following is an entry in ClinVar:

ClinVar aggregate classification (germline): Likely pathogenic (1 of 4 stars; one submission).

Submission:

Labcorp Genetics (formerly Invitae), Labcorp
Classification: Likely pathogenic. Last evaluated: 2023-06-21. Review status: criteria provided, single submitter. Criteria: Invitae Variant Classification Sherloc (09022015). Collection method: clinical testing. Allele origin: unknown.
Comment: In summary, the currently available evidence indicates that the variant is pathogenic, but additional data are needed to prove that conclusively. Therefore, this variant has been classified as Likely Pathogenic. This variant has not been reported in the literature in individuals affected with IFNAR1-related conditions. This variant results in the deletion of part of exon 7 (c.789-1130_987del) of the IFNAR1 gene. It is expected to disrupt RNA splicing. Variants that disrupt the donor or acceptor splice site typically lead to a loss of protein function (PMID: 16199547), and loss-of-function variants in IFNAR1 are known to be pathogenic (PMID: 31270247, 32960813).

Literature cited by the submitters: PubMed 16199547; PubMed 31270247; PubMed 32960813.

NC_000021.8:g.(?_34720267)_(34721595_?)del

Gene: IFNAR1 (interferon alpha and beta receptor subunit 1; plus strand). Cytogenetic location: 21q22.11.
Variant type: Deletion.
Identifiers: ClinVar variation 3248178 (VCV003248178.1).